The following is an entry in ClinVar:

NM_024496.4(IRF2BPL):c.462CGC[7] (p.Ala163_Ala164del)

Gene: IRF2BPL (interferon regulatory factor 2 binding protein like; minus strand). Cytogenetic location: 14q24.3.
Variant type: Microsatellite.
Coding change: c.462CGC[7] on transcript NM_024496.4 (MANE Select); seven copies in a row of the 3-base unit CGC starting at c.462; the reference has nine copies in a row; two copies, 6 bases deleted.
Protein change: p.Ala163_Ala164del.
Molecular consequence: inframe deletion.
Genome position (GRCh38, 1-based): chr14:77,027,305-77,027,310, GCGGCG deleted on the plus strand (CGCCGC on the coding strand, the reverse complement: IRF2BPL is on the minus strand); deleting any 6 consecutive bases within chr14:77,027,305-77,027,333 gives the same sequence; the position shown is the placement nearest the transcript's 3' end. VCF-style (leftmost placement, unchanged base first): chr14-77027304-AGCGGCG-A. GRCh37 (hg19) VCF-style: chr14-77493647-AGCGGCG-A.
Other names: c.483_488del6 (NM_024496.3).
Identifiers: ClinVar variation 2644401 (VCV002644401.26), dbSNP rs371633333, ClinGen allele CA7283942.

ClinVar aggregate classification (germline): Benign/Likely benign. Review status: criteria provided, multiple submitters, no conflicts (2 of 4 stars). 3 submissions from 3 submitters: Benign (1); Likely benign (1). 1 of the submissions does not count toward it. Last evaluated 2024-10-14.

Conditions:
IRF2BPL-related disorder. Also called: IRF2BPL-related condition. Identifiers: MedGen CN381093.

Submissions (3):

Blueprint Genetics
Classification: Likely benign. Last evaluated: 2024-10-14. Review status: criteria provided, single submitter. Criteria: ACMG Guidelines, 2015. Collection method: clinical testing. Allele origin: germline.

CeGaT Center for Human Genetics Tuebingen
Classification: Benign. Last evaluated: 2024-02-01. Review status: criteria provided, single submitter. Criteria: CeGaT Center For Human Genetics Tuebingen Variant Classification Criteria Version 2. Collection method: clinical testing. Allele origin: germline. Affected: yes. Observed: 5 variant alleles.
Comment: IRF2BPL: BS1, BS2

PreventionGenetics, part of Exact Sciences
Classification: Likely benign for IRF2BPL-related condition. Last evaluated: 2021-02-02. Review status: no assertion criteria provided. Collection method: clinical testing. Allele origin: germline. Not counted in ClinVar's aggregate classification.
Comment: This variant is classified as likely benign based on ACMG/AMP sequence variant interpretation guidelines (Richards et al. 2015 PMID: 25741868, with internal and published modifications).